The following is an entry in ClinVar:

NM_001098511.3(KIF2A):c.202C>T (p.Pro68Ser)

Gene: KIF2A (kinesin family member 2A; plus strand). Cytogenetic location: 5q12.1.
Variant type: single nucleotide variant.
Coding change: c.202C>T on transcript NM_001098511.3 (MANE Select); coding-DNA position 202, C replaced by T.
Protein change: p.Pro68Ser; replaces proline 68 with serine.
Molecular consequence: missense variant.
Genome position (GRCh38, 1-based): chr5:62,348,090, C>T. VCF-style: chr5-62348090-C-T. GRCh37 (hg19) VCF-style: chr5-61643917-C-T.
Other names: c.121C>T, p.Pro41Ser (NM_001243952.2); c.202C>T, p.Pro68Ser (NM_001243953.2, NM_004520.5); short protein forms P41S, P68S.
Identifiers: ClinVar variation 3372557 (VCV003372557.1).

ClinVar aggregate classification (germline): Uncertain significance (1 of 4 stars; one submission).

Submission:

GeneDx
Classification: Uncertain significance. Last evaluated: 2024-04-15. Review status: criteria provided, single submitter. Criteria: GeneDx Variant Classification Process June 2021. Collection method: clinical testing. Allele origin: germline. Affected: yes.
Comment: Not observed at significant frequency in large population cohorts (gnomAD); In silico analysis supports that this missense variant has a deleterious effect on protein structure/function; Has not been previously published as pathogenic or benign to our knowledge